The following is an entry in ClinVar:

NM_006514.4(SCN10A):c.5028del (p.Tyr1677fs)

Gene: SCN10A (sodium voltage-gated channel alpha subunit 10; minus strand). Cytogenetic location: 3p22.2.
Variant type: Deletion.
Coding change: c.5028del on transcript NM_006514.4 (MANE Select); coding-DNA position 5028, one base deleted (C; older notation c.5028delC).
Protein change: p.Tyr1677fs; shifts the reading frame from tyrosine 1677.
Molecular consequence: frameshift variant.
Genome position (GRCh38, 1-based): chr3:38,698,192, G deleted on the plus strand (C on the coding strand, the reverse complement: SCN10A is on the minus strand); the first of 6 consecutive G bases (chr3:38,698,192-38,698,197); deleting any one gives the same sequence. VCF-style (leftmost placement, unchanged base first): chr3-38698191-AG-A. GRCh37 (hg19) VCF-style: chr3-38739682-AG-A.
Other names: c.5025del, p.Tyr1676fs (NM_001293306.2); c.4734del, p.Tyr1579fs (NM_001293307.2); short protein forms Y1579fs, Y1676fs, Y1677fs.
Identifiers: ClinVar variation 4532654 (VCV004532654.1).

ClinVar aggregate classification (germline): Uncertain significance (1 of 4 stars; one submission).

Submission:

GeneDx
Classification: Uncertain significance. Last evaluated: 2025-05-27. Review status: criteria provided, single submitter. Criteria: GeneDx Variant Classification Process June 2021. Collection method: clinical testing. Allele origin: germline. Affected: yes.
Comment: Not observed at significant frequency in large population cohorts (gnomAD); Frameshift variant predicted to result in abnormal protein length as the last 280 amino acids are replaced with 20 different amino acids; Has not been previously published as pathogenic or benign to our knowledge